The following is an entry in ClinVar:

NC_000003.11:g.(?_100432530)_(100467375_?)del

Gene: TFG (trafficking from ER to golgi regulator; plus strand). Cytogenetic location: 3q12.2.
Variant type: Deletion.
Identifiers: ClinVar variation 1446444 (VCV001446444.3).

ClinVar aggregate classification (germline): Uncertain significance (1 of 4 stars; one submission).

Conditions:
Hereditary motor and sensory neuropathy, Okinawa type (HMSNO). Also called: HEREDITARY MOTOR AND SENSORY NEUROPATHY, PROXIMAL TYPE. Identifiers: Orphanet 90117, MedGen C1858338, MONDO:0011468, OMIM 604484.
Hereditary spastic paraplegia 57. Also called: Spastic paraplegia 57, autosomal recessive. Identifiers: Orphanet 431329, MedGen C3714897, MONDO:0014295, OMIM 615658.

Submission:

Labcorp Genetics (formerly Invitae), Labcorp
Classification: Uncertain significance for Hereditary motor and sensory neuropathy, Okinawa type; Hereditary spastic paraplegia 57. Last evaluated: 2021-10-30. Review status: criteria provided, single submitter. Criteria: Invitae Variant Classification Sherloc (09022015). Collection method: clinical testing. Allele origin: germline.
Comment: A gross deletion of the genomic region encompassing the full coding sequence of the TFG gene has been identified. The current clinical and genetic evidence is not sufficient to establish whether loss-of-function variants in TFG cause disease. The boundaries of this event are unknown as they extend beyond the assayed region for this gene and therefore may encompass additional genes. This variant has not been reported in the literature in individuals affected with TFG-related conditions. In summary, the available evidence is currently insufficient to determine the role of this variant in disease. Therefore, it has been classified as a Variant of Uncertain Significance.